The following is an entry in ClinVar:

ClinVar aggregate classification (germline): Uncertain significance (1 of 4 stars; one submission).

Conditions:
Gorlin syndrome. Also called: Basal cell nevus syndrome; Nevoid Basal Cell Carcinoma Syndrome. Identifiers: Orphanet 377, MedGen C0004779, MONDO:0007187.

Submission:

Labcorp Genetics (formerly Invitae), Labcorp
Classification: Uncertain significance for Gorlin syndrome. Last evaluated: 2017-12-17. Review status: criteria provided, single submitter. Criteria: Invitae Variant Classification Sherloc (09022015). Collection method: clinical testing. Allele origin: germline.
Comment: In summary, the available evidence is currently insufficient to determine the role of this variant in disease. Therefore, it has been classified as a Variant of Uncertain Significance. The current clinical and genetic evidence is not sufficient to establish whether loss-of-function variants in PTCH2 cause disease. This variant has not been reported in the literature in individuals with PTCH2-related disease. This variant is not present in population databases (ExAC no frequency). This sequence change creates a premature translational stop signal (p.Leu869Profs*16) in the PTCH2 gene. It is expected to result in an absent or disrupted protein product.

NM_003738.5(PTCH2):c.2605dup (p.Leu869fs)

Gene: PTCH2 (patched 2; minus strand). Cytogenetic location: 1p34.1.
Variant type: Duplication.
Coding change: c.2605dup on transcript NM_003738.5 (MANE Select); coding-DNA position 2605, one base duplicated (C; older notation c.2605dupC).
Protein change: p.Leu869fs; shifts the reading frame from leucine 869.
Molecular consequence: frameshift variant.
Genome position (GRCh38, 1-based): chr1:44,826,992, G duplicated on the plus strand (C on the coding strand, the reverse complement: PTCH2 is on the minus strand); the first of 5 consecutive G bases (chr1:44,826,992-44,826,996); duplicating any one gives the same sequence. VCF-style (leftmost placement, unchanged base first): chr1-44826991-A-AG. GRCh37 (hg19) VCF-style: chr1-45292663-A-AG.
Other names: c.2605dup, p.Leu869fs (NM_001166292.2); c.2605dupC (NM_003738.4); short protein forms L869fs.
Identifiers: ClinVar variation 524585 (VCV000524585.7), dbSNP rs1553165035, ClinGen allele CA658795447.